The following is an entry in ClinVar:

NM_006662.3(SRCAP):c.1924G>T (p.Ala642Ser)

Gene: SRCAP (Snf2 related CREBBP activator protein; plus strand). Cytogenetic location: 16p11.2.
Variant type: single nucleotide variant.
Coding change: c.1924G>T on transcript NM_006662.3 (MANE Select); coding-DNA position 1924, G replaced by T.
Protein change: p.Ala642Ser; replaces alanine 642 with serine.
Molecular consequence: missense variant.
Genome position (GRCh38, 1-based): chr16:30,712,370, G>T. VCF-style: chr16-30712370-G-T. GRCh37 (hg19) VCF-style: chr16-30723691-G-T.
Other names: short protein forms A642S.
Identifiers: ClinVar variation 3365019 (VCV003365019.1).

ClinVar aggregate classification (germline): Uncertain significance (1 of 4 stars; one submission).

Submission:

GeneDx
Classification: Uncertain significance. Last evaluated: 2023-12-08. Review status: criteria provided, single submitter. Criteria: GeneDx Variant Classification Process June 2021. Collection method: clinical testing. Allele origin: germline. Affected: yes.
Comment: In silico analysis supports that this missense variant has a deleterious effect on protein structure/function; Not observed at significant frequency in large population cohorts (gnomAD); Has not been previously published as pathogenic or benign to our knowledge